The following is an entry in ClinVar:

ClinVar aggregate classification (germline): Uncertain significance. Review status: criteria provided, multiple submitters, no conflicts (2 of 4 stars). 3 submissions from 3 submitters: Uncertain significance (3). Last evaluated 2025-09-18.

Conditions:
Hereditary cancer-predisposing syndrome. Also called: Tumor predisposition; Hereditary neoplastic syndrome; Neoplastic Syndromes, Hereditary; Hereditary Cancer Syndrome. Identifiers: Orphanet 140162, MedGen C0027672, MeSH D009386, MONDO:0015356.
Renal cell carcinoma. Identifiers: Orphanet 217071, MedGen C0007134, MeSH D002292, MONDO:0005086, HP:0005584.

Allele frequency attached by ClinVar (database versions not stated): gnomAD exomes below 0.00001; TOPMed 0.00001.
gnomAD v4.1: 3 of 1,614,106 alleles (0.00019%); highest among the groups gnomAD compares: Non-Finnish European, 0.00025%; no homozygotes.

Submissions (3):

Ambry Genetics
Classification: Uncertain significance for Hereditary cancer-predisposing syndrome. Last evaluated: 2025-09-18. Review status: criteria provided, single submitter. Criteria: Ambry Variant Classification Scheme 2023. Collection method: clinical testing. Allele origin: germline.
Comment: The p.L450F variant (also known as c.1348C>T), located in coding exon 2 of the MET gene, results from a C to T substitution at nucleotide position 1348. The leucine at codon 450 is replaced by phenylalanine, an amino acid with highly similar properties. This amino acid position is highly conserved in available vertebrate species. In addition, the in silico prediction for this alteration is inconclusive. Based on the available evidence, the clinical significance of this variant remains unclear.

Blueprint Genetics
Classification: Uncertain significance. Last evaluated: 2024-03-15. Review status: criteria provided, single submitter. Criteria: ACMG Guidelines, 2015. Collection method: clinical testing. Allele origin: germline.

Labcorp Genetics (formerly Invitae), Labcorp
Classification: Uncertain significance for Renal cell carcinoma. Last evaluated: 2021-07-03. Review status: criteria provided, single submitter. Criteria: Invitae Variant Classification Sherloc (09022015). Collection method: clinical testing. Allele origin: germline.
Comment: This variant has not been reported in the literature in individuals with MET-related conditions. Algorithms developed to predict the effect of missense changes on protein structure and function are either unavailable or do not agree on the potential impact of this missense change (SIFT: "Tolerated"; PolyPhen-2: "Probably Damaging"; Align-GVGD: "Class C0"). In summary, the available evidence is currently insufficient to determine the role of this variant in disease. Therefore, it has been classified as a Variant of Uncertain Significance. This variant is not present in population databases (ExAC no frequency). This sequence change replaces leucine with phenylalanine at codon 450 of the MET protein (p.Leu450Phe). The leucine residue is moderately conserved and there is a small physicochemical difference between leucine and phenylalanine.

NM_000245.4(MET):c.1348C>T (p.Leu450Phe)

Gene: MET (MET proto-oncogene, receptor tyrosine kinase; plus strand). Cytogenetic location: 7q31.2.
Variant type: single nucleotide variant.
Coding change: c.1348C>T on transcript NM_000245.4 (MANE Select); coding-DNA position 1348, C replaced by T.
Protein change: p.Leu450Phe; replaces leucine 450 with phenylalanine.
Molecular consequence: missense variant.
Genome position (GRCh38, 1-based): chr7:116,731,815, C>T. VCF-style: chr7-116731815-C-T. GRCh37 (hg19) VCF-style: chr7-116371869-C-T.
Other names: c.1348C>T, p.Leu450Phe (NM_001127500.3, NM_001324401.3); c.58C>T, p.Leu20Phe (NM_001324402.2); c.1348C>T (NM_001127500.1); short protein forms L20F, L450F.
Identifiers: ClinVar variation 1402664 (VCV001402664.10), dbSNP rs1793018571, ClinGen allele CA368972993.